The following is an entry in ClinVar:

NM_130384.3(ATRIP):c.247+3del

Genes: ATRIP (ATR interacting protein; plus strand), ATRIP-TREX1 (ATRIP-TREX1 readthrough; plus strand). Cytogenetic location: 3p21.31.
Variant type: Deletion.
Coding change: c.247+3del on transcript NM_130384.3 (MANE Select); 3 bases into the intron after coding-DNA position 247, one base deleted (G; older notation c.247+3delG).
Molecular consequence: intron variant.
Genome position (GRCh38, 1-based): chr3:48,447,095, G deleted. VCF-style (leftmost placement, unchanged base first): chr3-48447094-TG-T. GRCh37 (hg19) VCF-style: chr3-48488498-TG-T.
Other names: c.247+3del (NM_032166.4); c.-218+296del (NM_001271022.2).
Identifiers: ClinVar variation 4182521 (VCV004182521.1).

ClinVar aggregate classification (germline): Uncertain significance (1 of 4 stars; one submission).

Submission:

Ambry Genetics
Classification: Uncertain significance. Last evaluated: 2025-09-05. Review status: criteria provided, single submitter. Criteria: Ambry Variant Classification Scheme 2023. Collection method: clinical testing. Allele origin: germline.
Comment: The c.247+3delG intronic variant, located in intron 1 of the ATRIP gene, results from a deletion of one nucleotide within intron 1 of the ATRIP gene. This nucleotide position is well conserved in available vertebrate species. In silico splice site analysis predicts that this alteration will weaken the native splice donor site. The evidence for this gene-disease relationship is limited; therefore, the clinical significance of this alteration is unclear.